The following is an entry in ClinVar:

ClinVar aggregate classification (germline): Uncertain significance. Review status: criteria provided, multiple submitters, no conflicts (2 of 4 stars). 2 submissions from 2 submitters: Uncertain significance (2). Last evaluated 2024-02-07.

Conditions:
Polycystic liver disease 3 with or without kidney cysts. Identifiers: MedGen C4693472, MONDO:0054743, OMIM 617874.
ALG8 congenital disorder of glycosylation. Also called: CONGENITAL DISORDER OF GLYCOSYLATION, TYPE Ih; CDG Ih; ALG8-CDG. Identifiers: Orphanet 79325, MedGen C2931002, MONDO:0011969, OMIM 608104.
Inborn genetic diseases. Identifiers: MedGen C0950123, MeSH D030342.

gnomAD v4.1: 3 of 1,611,324 alleles (0.00019%); no homozygotes.

Submissions (2):

Fulgent Genetics
Classification: Uncertain significance for ALG8 congenital disorder of glycosylation; Polycystic liver disease 3 with or without kidney cysts. Last evaluated: 2024-02-07. Review status: criteria provided, single submitter. Criteria: ACMG Guidelines, 2015. Collection method: clinical testing. Allele origin: germline.

Ambry Genetics
Classification: Uncertain significance for Inborn genetic diseases. Last evaluated: 2022-01-28. Review status: criteria provided, single submitter. Criteria: Ambry Variant Classification Scheme 2023. Collection method: clinical testing. Allele origin: germline.
Comment: The c.1350-3C>T intronic alteration consists of a C to T substitution 3 nucleotides before exon 13 of the ALG8 gene. Based on insufficient or conflicting evidence, the clinical significance of this alteration remains unclear.

NM_024079.5(ALG8):c.1350-3C>T

Gene: ALG8 (ALG8 alpha-1,3-glucosyltransferase; minus strand). Cytogenetic location: 11q14.1.
Variant type: single nucleotide variant.
Coding change: c.1350-3C>T on transcript NM_024079.5 (MANE Select); 3 bases into the intron before coding-DNA position 1350, C replaced by T.
Molecular consequence: intron variant.
Genome position (GRCh38, 1-based): chr11:78,101,198, G>A on the plus strand (C>T on the coding strand, the complement: ALG8 is on the minus strand). VCF-style: chr11-78101198-G-A. GRCh37 (hg19) VCF-style: chr11-77812244-G-A.
Other names: c.*21-3C>T (NM_001007027.3).
Identifiers: ClinVar variation 2267117 (VCV002267117.3), dbSNP rs568134909, ClinGen allele CA224901699.